The following is an entry in ClinVar:

ClinVar aggregate classification (germline): Conflicting classifications of pathogenicity. Review status: criteria provided, conflicting classifications (1 of 4 stars). 2 submissions from 2 submitters: Uncertain significance (1); Likely benign (1). Last evaluated 2020-06-16.

Conditions:
Intellectual disability. Also called: intellectual disabilities; Intellectual developmental disorder; Intellectual functioning disability. Identifiers: MedGen C3714756, MeSH D008607, MONDO:0001071, HP:0001249.

Allele frequency attached by ClinVar (database versions not stated): ExAC 0.00001; gnomAD exomes 0.00001.
gnomAD v4.1: 5 of 1,613,702 alleles (0.00031%); highest among the groups gnomAD compares: Admixed American, 0.0033%; no homozygotes.

Submissions (2):

GeneDx
Classification: Uncertain significance. Last evaluated: 2020-06-16. Review status: criteria provided, single submitter. Criteria: GeneDx Variant Classification Process June 2021. Collection method: clinical testing. Allele origin: germline. Affected: yes.
Comment: In silico analysis supports that this missense variant has a deleterious effect on protein structure/function; Has not been previously published as pathogenic or benign to our knowledge

Cambridge Genomics Laboratory, East Genomic Laboratory Hub, NHS Genomic Medicine Service
Classification: Likely benign for Intellectual disability. Last evaluated: 2020-04-29. Review status: criteria provided, single submitter. Criteria: ACGS Best Practice Guidelines for Variant Classification in Rare Disease 2020. Collection method: clinical testing. Allele origin: germline. Affected: yes. Observed: 1 variant allele.

NM_006618.5(KDM5B):c.2477A>G (p.Tyr826Cys)

Gene: KDM5B (lysine demethylase 5B; minus strand). Cytogenetic location: 1q32.1.
Variant type: single nucleotide variant.
Coding change: c.2477A>G on transcript NM_006618.5 (MANE Select); coding-DNA position 2477, A replaced by G.
Protein change: p.Tyr826Cys; replaces tyrosine 826 with cysteine.
Molecular consequence: missense variant.
Genome position (GRCh38, 1-based): chr1:202,742,503, T>C on the plus strand (A>G on the coding strand, the complement: KDM5B is on the minus strand). VCF-style: chr1-202742503-T-C. GRCh37 (hg19) VCF-style: chr1-202711631-T-C.
Other names: c.2585A>G, p.Tyr862Cys (NM_001314042.2); c.2342A>G, p.Tyr781Cys (NM_001347591.2); c.2462A>G, p.Tyr821Cys (NM_001399817.1); short protein forms Y781C, Y826C, Y862C, Y821C.
Identifiers: ClinVar variation 1217089 (VCV001217089.5), dbSNP rs758824583, ClinGen allele CA1334416.